The following is an entry in ClinVar:

NM_000441.2(SLC26A4):c.1608C>T (p.Tyr536=)

Gene: SLC26A4 (solute carrier family 26 member 4; plus strand). Cytogenetic location: 7q22.3.
Variant type: single nucleotide variant.
Coding change: c.1608C>T on transcript NM_000441.2 (MANE Select); coding-DNA position 1608, C replaced by T.
Protein change: p.Tyr536=; no amino-acid change (tyrosine 536 retained).
Molecular consequence: synonymous variant.
Genome position (GRCh38, 1-based): chr7:107,698,105, C>T. VCF-style: chr7-107698105-C-T. GRCh37 (hg19) VCF-style: chr7-107338550-C-T.
Identifiers: ClinVar variation 227950 (VCV000227950.44), dbSNP rs181882513, ClinGen allele CA4432881.

ClinVar aggregate classification (germline): Likely benign. Review status: criteria provided, multiple submitters, no conflicts (2 of 4 stars). 3 submissions from 3 submitters: Likely benign (3). Last evaluated 2023-12-19.

Allele frequency attached by ClinVar (database versions not stated): gnomAD 0.00001; ExAC 0.00002; gnomAD exomes 0.00002; TOPMed 0.00003; 1000 Genomes Project 30x 0.00016; 1000 Genomes Project 0.00020.
gnomAD v4.1: 37 of 1,601,340 alleles (0.0023%); highest among the groups gnomAD compares: Middle Eastern, 0.033%; no homozygotes.

Submissions (3):

Labcorp Genetics (formerly Invitae), Labcorp
Classification: Likely benign. Last evaluated: 2023-12-19. Review status: criteria provided, single submitter. Criteria: Invitae Variant Classification Sherloc (09022015). Collection method: clinical testing. Allele origin: germline.

CeGaT Center for Human Genetics Tuebingen
Classification: Likely benign. Last evaluated: 2022-11-01. Review status: criteria provided, single submitter. Criteria: CeGaT Center For Human Genetics Tuebingen Variant Classification Criteria Version 2. Collection method: clinical testing. Allele origin: germline. Affected: yes. Observed: 1 variant allele.
Comment: SLC26A4: BP4, BP7

Laboratory for Molecular Medicine, Mass General Brigham Personalized Medicine
Classification: Likely benign. Last evaluated: 2015-06-03. Review status: criteria provided, single submitter. Criteria: LMM Criteria. Collection method: clinical testing. Allele origin: germline. Observed: 1 variant allele.
Comment: p.Tyr536Tyr in exon 14 of SLC26A4: This variant is not expected to have clinical significance because it does not alter an amino acid residue and is not located within the splice consensus sequence. It has been identified in 2/66574 Europea n chromosomes by the Exome Aggregation Consortium (ExAC; dbSNP rs181882513).